The following is an entry in ClinVar:

NM_000890.5(KCNJ5):c.439G>C (p.Glu147Gln)

Gene: KCNJ5 (potassium inwardly rectifying channel subfamily J member 5; plus strand). Cytogenetic location: 11q24.3.
Variant type: single nucleotide variant.
Coding change: c.439G>C on transcript NM_000890.5 (MANE Select); coding-DNA position 439, G replaced by C.
Protein change: p.Glu147Gln; replaces glutamic acid 147 with glutamine.
Molecular consequence: missense variant.
Genome position (GRCh38, 1-based): chr11:128,911,712, G>C. VCF-style: chr11-128911712-G-C. GRCh37 (hg19) VCF-style: chr11-128781607-G-C.
Other names: c.439G>C, p.Glu147Gln (NM_001354169.2); short protein forms E147Q.
Identifiers: ClinVar variation 1362427 (VCV001362427.8), dbSNP rs148355179, ClinGen allele CA383248041.

ClinVar aggregate classification (germline): Uncertain significance (1 of 4 stars; one submission).

Conditions:
Long QT syndrome (LQTS). Identifiers: MedGen C0023976, MeSH D008133, MONDO:0002442. Disease mechanism: loss of function. Inheritance: Various modes of inheritance.

Submission:

Labcorp Genetics (formerly Invitae), Labcorp
Classification: Uncertain significance for Long QT syndrome. Last evaluated: 2021-06-19. Review status: criteria provided, single submitter. Criteria: Invitae Variant Classification Sherloc (09022015). Collection method: clinical testing. Allele origin: germline.
Comment: In summary, the available evidence is currently insufficient to determine the role of this variant in disease. Therefore, it has been classified as a Variant of Uncertain Significance. Advanced modeling of protein sequence and biophysical properties (such as structural, functional, and spatial information, amino acid conservation, physicochemical variation, residue mobility, and thermodynamic stability) performed at Invitae indicates that this missense variant is expected to disrupt KCNJ5 protein function. This variant has not been reported in the literature in individuals with KCNJ5-related conditions. This variant is not present in population databases (ExAC no frequency). This sequence change replaces glutamic acid with glutamine at codon 147 of the KCNJ5 protein (p.Glu147Gln). The glutamic acid residue is highly conserved and there is a small physicochemical difference between glutamic acid and glutamine.